The following is an entry in ClinVar:

ClinVar aggregate classification (germline): Uncertain significance (1 of 4 stars; one submission).

Conditions:
Cardiovascular phenotype. Identifiers: MedGen CN230736.

gnomAD v4.1: 2 of 1,613,938 alleles (0.00012%); highest among the groups gnomAD compares: Non-Finnish European, 0.000085%; no homozygotes.

Submission:

Ambry Genetics
Classification: Uncertain significance for Cardiovascular phenotype. Last evaluated: 2025-12-21. Review status: criteria provided, single submitter. Criteria: Ambry Variant Classification Scheme 2023. Collection method: clinical testing. Allele origin: germline.
Comment: The p.S1849N variant (also known as c.5546G>A), located in coding exon 38 of the ANK2 gene, results from a G to A substitution at nucleotide position 5546. The serine at codon 1849 is replaced by asparagine, an amino acid with highly similar properties. This amino acid position is conserved. In addition, this alteration is predicted to be tolerated by in silico analysis. Based on the available evidence, the clinical significance of this variant remains unclear.

NM_001148.6(ANK2):c.5546G>A (p.Ser1849Asn)

Genes: ANK2 (ankyrin 2; plus strand), LOC126807136 (MED14-independent group 3 enhancer GRCh37_chr4:114274931-114276130; plus strand). Cytogenetic location: 4q26.
Variant type: single nucleotide variant.
Coding change: c.5546G>A on transcript NM_001148.6 (MANE Select); coding-DNA position 5546, G replaced by A.
Protein change: p.Ser1849Asn; replaces serine 1849 with asparagine.
Molecular consequence: missense variant. On other transcripts: intron variant (68).
Genome position (GRCh38, 1-based): chr4:113,354,164, G>A. VCF-style: chr4-113354164-G-A. GRCh37 (hg19) VCF-style: chr4-114275320-G-A.
Other names: c.4201+3915G>A (NM_001354270.2, NM_001354253.2); c.4165+3915G>A (NM_001354257.2, NM_001386156.1); c.5312G>A, p.Ser1771Asn (NM_001386142.1); c.1946G>A, p.Ser649Asn (NM_001386166.1); c.5687G>A, p.Ser1896Asn (NM_001386174.1); c.5663G>A, p.Ser1888Asn (NM_001386175.1); c.4411+3915G>A (NM_001386186.2, NM_001386148.2); c.4213+3915G>A (NM_001354269.3); and 35 more; short protein forms S1849N, S1771N, S1896N, S1888N, S649N.
Identifiers: ClinVar variation 4842641 (VCV004842641.1).